The following is an entry in ClinVar:

ClinVar aggregate classification (germline): Likely pathogenic (1 of 4 stars; one submission).

Submission:

Labcorp Genetics (formerly Invitae), Labcorp
Classification: Likely pathogenic. Last evaluated: 2024-11-09. Review status: criteria provided, single submitter. Criteria: Invitae Variant Classification Sherloc (09022015). Collection method: clinical testing. Allele origin: germline.
Comment: This sequence change affects a donor splice site in intron 6 of the CLCN4 gene. It is expected to disrupt RNA splicing. Variants that disrupt the donor or acceptor splice site typically lead to a loss of protein function (PMID: 16199547), and loss-of-function variants in CLCN4 are known to be pathogenic (PMID: 27550844). This variant is not present in population databases (gnomAD no frequency). This variant has not been reported in the literature in individuals affected with CLCN4-related conditions. Algorithms developed to predict the effect of sequence changes on RNA splicing suggest that this variant may disrupt the consensus splice site. In summary, the currently available evidence indicates that the variant is pathogenic, but additional data are needed to prove that conclusively. Therefore, this variant has been classified as Likely Pathogenic.

Literature cited by the submitters: PubMed 16199547; PubMed 27550844.

NM_001830.4(CLCN4):c.555+1G>T

Gene: CLCN4 (chloride voltage-gated channel 4; plus strand). Cytogenetic location: Xp22.2.
Variant type: single nucleotide variant.
Coding change: c.555+1G>T on transcript NM_001830.4 (MANE Select); the canonical splice donor site of the intron after coding-DNA position 555, G replaced by T.
Molecular consequence: splice donor variant.
Genome position (GRCh38, 1-based): chrX:10,198,062, G>T. VCF-style: chrX-10198062-G-T. GRCh37 (hg19) VCF-style: chrX-10166102-G-T.
Other names: c.273+1G>T (NM_001256944.2).
Identifiers: ClinVar variation 3724883 (VCV003724883.2).